The following is an entry in ClinVar:

NM_006446.5(SLCO1B1):c.657T>A (p.Gly219=)

Gene: SLCO1B1 (solute carrier organic anion transporter family member 1B1; plus strand). Cytogenetic location: 12p12.1.
Variant type: single nucleotide variant.
Coding change: c.657T>A on transcript NM_006446.5 (MANE Select); coding-DNA position 657, T replaced by A.
Protein change: p.Gly219=; no amino-acid change (glycine 219 retained).
Molecular consequence: synonymous variant.
Genome position (GRCh38, 1-based): chr12:21,178,950, T>A. VCF-style: chr12-21178950-T-A. GRCh37 (hg19) VCF-style: chr12-21331884-T-A.
Identifiers: ClinVar variation 2642775 (VCV002642775.25), dbSNP rs1940857736, ClinGen allele CA479106546.

ClinVar aggregate classification (germline): Likely benign. Review status: criteria provided, single submitter (1 of 4 stars). 2 submissions from 2 submitters: Likely benign (1). 1 of the submissions does not count toward it. Last evaluated 2024-11-01.

Conditions:
SLCO1B1-related disorder. Also called: SLCO1B1-related condition.

gnomAD v4.1: 1 of 1,609,448 alleles (0.000062%); highest among the groups gnomAD compares: Non-Finnish European, 0.000085%; no homozygotes.

Submissions (2):

CeGaT Center for Human Genetics Tuebingen
Classification: Likely benign. Last evaluated: 2024-11-01. Review status: criteria provided, single submitter. Criteria: CeGaT Center For Human Genetics Tuebingen Variant Classification Criteria Version 2. Collection method: clinical testing. Allele origin: germline. Affected: yes. Observed: 2 variant alleles.
Comment: SLCO1B1: BP4, BP7

PreventionGenetics, part of Exact Sciences
Classification: Likely benign for SLCO1B1-related condition. Last evaluated: 2019-03-18. Review status: no assertion criteria provided. Collection method: clinical testing. Allele origin: germline. Not counted in ClinVar's aggregate classification.
Comment: This variant is classified as likely benign based on ACMG/AMP sequence variant interpretation guidelines (Richards et al. 2015 PMID: 25741868, with internal and published modifications).